The following is an entry in ClinVar:

ClinVar aggregate classification (germline): Uncertain significance. Review status: criteria provided, multiple submitters, no conflicts (2 of 4 stars). 3 submissions from 3 submitters: Uncertain significance (3). Last evaluated 2025-01-28.

Conditions:
Hereditary cancer-predisposing syndrome. Also called: Hereditary Cancer Syndrome; Hereditary neoplastic syndrome; Tumor predisposition; Neoplastic Syndromes, Hereditary. Identifiers: Orphanet 140162, MedGen C0027672, MeSH D009386, MONDO:0015356.
Neuroblastoma, susceptibility to, 3. Also called: ALK-Related Neuroblastic Tumor Susceptibility. Identifiers: Orphanet 635, MedGen C2751681, MONDO:0013083, OMIM 613014.

Allele frequency attached by ClinVar (database versions not stated): ExAC 0.00002; gnomAD exomes 0.00002.

Submissions (3):

Ambry Genetics
Classification: Uncertain significance for Hereditary cancer-predisposing syndrome. Last evaluated: 2025-01-28. Review status: criteria provided, single submitter. Criteria: Ambry Variant Classification Scheme 2023. Collection method: clinical testing. Allele origin: germline.
Comment: The p.G924R variant (also known as c.2770G>C), located in coding exon 16 of the ALK gene, results from a G to C substitution at nucleotide position 2770. The glycine at codon 924 is replaced by arginine, an amino acid with dissimilar properties. This amino acid position is highly conserved in available vertebrate species. In addition, the in silico prediction for this alteration is inconclusive. Based on the available evidence, the clinical significance of this variant remains unclear.

GeneDx
Classification: Uncertain significance. Last evaluated: 2023-04-12. Review status: criteria provided, single submitter. Criteria: GeneDx Variant Classification Process June 2021. Collection method: clinical testing. Allele origin: germline. Affected: yes.
Comment: Not observed at significant frequency in large population cohorts (gnomAD); In silico analysis supports that this missense variant has a deleterious effect on protein structure/function; Has not been previously published as pathogenic or benign to our knowledge

Labcorp Genetics (formerly Invitae), Labcorp
Classification: Uncertain significance for Neuroblastoma, susceptibility to, 3. Last evaluated: 2021-10-13. Review status: criteria provided, single submitter. Criteria: Invitae Variant Classification Sherloc (09022015). Collection method: clinical testing. Allele origin: germline.
Comment: In summary, the available evidence is currently insufficient to determine the role of this variant in disease. Therefore, it has been classified as a Variant of Uncertain Significance. Algorithms developed to predict the effect of missense changes on protein structure and function (SIFT, PolyPhen-2, Align-GVGD) all suggest that this variant is likely to be disruptive. This variant has not been reported in the literature in individuals affected with ALK-related conditions. This variant is present in population databases (rs78086548, ExAC 0.02%). This sequence change replaces glycine with arginine at codon 924 of the ALK protein (p.Gly924Arg). The glycine residue is highly conserved and there is a moderate physicochemical difference between glycine and arginine.

NM_004304.5(ALK):c.2770G>C (p.Gly924Arg)

Gene: ALK (ALK receptor tyrosine kinase; minus strand). Cytogenetic location: 2p23.2.
Variant type: single nucleotide variant.
Coding change: c.2770G>C on transcript NM_004304.5 (MANE Select); coding-DNA position 2770, G replaced by C.
Protein change: p.Gly924Arg; replaces glycine 924 with arginine.
Molecular consequence: missense variant.
Genome position (GRCh38, 1-based): chr2:29,228,929, C>G on the plus strand (G>C on the coding strand, the complement: ALK is on the minus strand). VCF-style: chr2-29228929-C-G. GRCh37 (hg19) VCF-style: chr2-29451795-C-G.
Other names: c.2770G>C (NM_004304.4); short protein forms G924R.
Identifiers: ClinVar variation 1357501 (VCV001357501.7), dbSNP rs78086548, ClinGen allele CA1594202.